The following is an entry in ClinVar:

NM_003183.6(ADAM17):c.1352C>G (p.Ser451Ter)

Genes: ADAM17 (ADAM metallopeptidase domain 17; minus strand), IAH1 (isoamyl acetate hydrolyzing esterase 1 (putative); plus strand). Cytogenetic location: 2p25.1.
Variant type: single nucleotide variant.
Coding change: c.1352C>G on transcript NM_003183.6 (MANE Select); coding-DNA position 1352, C replaced by G.
Protein change: p.Ser451Ter; replaces serine 451 with a stop codon.
Molecular consequence: nonsense.
Genome position (GRCh38, 1-based): chr2:9,505,358, G>C on the plus strand (C>G on the coding strand, the complement: ADAM17 is on the minus strand). VCF-style: chr2-9505358-G-C. GRCh37 (hg19) VCF-style: chr2-9645487-G-C.
Other names: c.692C>G, p.Ser231Ter (NM_001382777.1); c.455C>G, p.Ser152Ter (NM_001382778.1); short protein forms S231*, S152*, S451*.
Identifiers: ClinVar variation 3661120 (VCV003661120.2).
Genomic context (GRCh38, chr2:9,505,358, plus strand): 5'-TGAAAACACTCCTGGGCCTTACTTTCAATGGTCTTATAGATTGATTGTTTACTGCAGTTT[G>C]AAAACATCTTGAGAGAAAAAAGGCAATAAGGACCCAAAATAATATCATAAAAATGTATTC-3'

ClinVar aggregate classification (germline): Pathogenic (1 of 4 stars; one submission).

Conditions:
Inflammatory skin and bowel disease, neonatal, 1. Identifiers: Orphanet 294023, MedGen C3280501, MONDO:0013693, OMIM 614328.

Submission:

Labcorp Genetics (formerly Invitae), Labcorp
Classification: Pathogenic for Inflammatory skin and bowel disease, neonatal, 1. Last evaluated: 2024-07-31. Review status: criteria provided, single submitter. Criteria: Invitae Variant Classification Sherloc (09022015). Collection method: clinical testing. Allele origin: germline.
Comment: This sequence change creates a premature translational stop signal (p.Ser451*) in the ADAM17 gene. It is expected to result in an absent or disrupted protein product. Loss-of-function variants in ADAM17 are known to be pathogenic (PMID: 22010916, 25804906). This variant is not present in population databases (gnomAD no frequency). This variant has not been reported in the literature in individuals affected with ADAM17-related conditions. For these reasons, this variant has been classified as Pathogenic.

Literature cited by the submitters: PubMed 22010916; PubMed 25804906.